The following is an entry in ClinVar:

NM_001318895.3(FHL2):c.568G>A (p.Ala190Thr)

Genes: C2orf49 (chromosome 2 open reading frame 49; plus strand), FHL2 (four and a half LIM domains 2; minus strand). Cytogenetic location: 2q12.2.
Variant type: single nucleotide variant.
Coding change: c.568G>A on transcript NM_001318895.3 (MANE Select); coding-DNA position 568, G replaced by A.
Protein change: p.Ala190Thr; replaces alanine 190 with threonine.
Molecular consequence: missense variant.
Genome position (GRCh38, 1-based): chr2:105,363,405, C>T on the plus strand (G>A on the coding strand, the complement: FHL2 is on the minus strand). VCF-style: chr2-105363405-C-T. GRCh37 (hg19) VCF-style: chr2-105979862-C-T.
Other names: c.568G>A, p.Ala190Thr (NM_001039492.3, NM_001318894.1, NM_001318896.2 and 4 more transcripts); c.226G>A, p.Ala76Thr (NM_001318897.2, NM_001318898.2); c.244G>A, p.Ala82Thr (NM_001318899.2); short protein forms A190T, A76T, A82T.
Identifiers: ClinVar variation 1056397 (VCV001056397.5), dbSNP rs1279971079, ClinGen allele CA347997919.

ClinVar aggregate classification (germline): Uncertain significance (1 of 4 stars; one submission).

Conditions:
Primary dilated cardiomyopathy (DCM). Also called: Dilated Cardiomyopathy. Identifiers: Orphanet 217604, MedGen C0007193, MeSH D002311, MONDO:0005021, HP:0001644. Inheritance: Various modes of inheritance.

Allele frequency attached by ClinVar (database versions not stated): gnomAD exomes below 0.00001.
gnomAD v4.1: 4 of 1,613,486 alleles (0.00025%); no homozygotes.

Submission:

Labcorp Genetics (formerly Invitae), Labcorp
Classification: Uncertain significance for Primary dilated cardiomyopathy. Last evaluated: 2020-03-31. Review status: criteria provided, single submitter. Criteria: Invitae Variant Classification Sherloc (09022015). Collection method: clinical testing. Allele origin: germline.
Comment: In summary, the available evidence is currently insufficient to determine the role of this variant in disease. Therefore, it has been classified as a Variant of Uncertain Significance. Algorithms developed to predict the effect of missense changes on protein structure and function (SIFT, PolyPhen-2, Align-GVGD) all suggest that this variant is likely to be tolerated, but these predictions have not been confirmed by published functional studies and their clinical significance is uncertain. This variant has not been reported in the literature in individuals with FHL2-related conditions. This variant is not present in population databases (ExAC no frequency). This sequence change replaces alanine with threonine at codon 190 of the FHL2 protein (p.Ala190Thr). The alanine residue is moderately conserved and there is a small physicochemical difference between alanine and threonine.